The following is an entry in ClinVar:

NM_001909.5(CTSD):c.270G>A (p.Gln90=)

Gene: CTSD (cathepsin D; minus strand). Cytogenetic location: 11p15.5.
Variant type: single nucleotide variant.
Coding change: c.270G>A on transcript NM_001909.5 (MANE Select); coding-DNA position 270, G replaced by A.
Protein change: p.Gln90=; no amino-acid change (glutamine 90 retained).
Molecular consequence: synonymous variant.
Genome position (GRCh38, 1-based): chr11:1,759,598, C>T on the plus strand (G>A on the coding strand, the complement: CTSD is on the minus strand). VCF-style: chr11-1759598-C-T. GRCh37 (hg19) VCF-style: chr11-1780828-C-T.
Other names: p.Q90Q:CAG>CAA.
Identifiers: ClinVar variation 137052 (VCV000137052.4), dbSNP rs587780915, ClinGen allele CA290544.

ClinVar aggregate classification (germline): Benign/Likely benign. Review status: criteria provided, multiple submitters, no conflicts (2 of 4 stars). 2 submissions from 2 submitters: Benign (1); Likely benign (1). Last evaluated 2025-09-17.

Conditions:
Neuronal ceroid lipofuscinosis. Also called: Neuronal Ceroid Lipofuscinoses. Identifiers: Orphanet 216, Orphanet 79263, MedGen C0027877, MONDO:0016295. Disease mechanism: loss of function.

Allele frequency attached by ClinVar (database versions not stated): TOPMed 0.00001; gnomAD exomes 0.00002.

Submissions (2):

Labcorp Genetics (formerly Invitae), Labcorp
Classification: Likely benign for Neuronal ceroid lipofuscinosis. Last evaluated: 2025-09-17. Review status: criteria provided, single submitter. Criteria: Invitae Variant Classification Sherloc (09022015). Collection method: clinical testing. Allele origin: germline.

GeneDx
Classification: Benign. Last evaluated: 2013-11-20. Review status: criteria provided, single submitter. Criteria: GeneDx Variant Classification (06012015). Collection method: clinical testing. Allele origin: germline. Affected: yes.
Comment: This variant is considered likely benign or benign based on one or more of the following criteria: it is a conservative change, it occurs at a poorly conserved position in the protein, it is predicted to be benign by multiple in silico algorithms, and/or has population frequency not consistent with disease.